The following is an entry in ClinVar:

ClinVar aggregate classification (germline): Conflicting classifications of pathogenicity. Review status: criteria provided, conflicting classifications (1 of 4 stars). 3 submissions from 3 submitters: Uncertain significance (2); Benign (1). Last evaluated 2024-10-16.

Conditions:
Intellectual developmental disorder, autosomal dominant 29. Also called: SETBP1 Haploinsufficiency Disorder; Intellectual disability, autosomal dominant 29. Identifiers: Orphanet 436151, MedGen C4015141, MONDO:0014482, OMIM 616078.

Allele frequency attached by ClinVar (database versions not stated): TOPMed below 0.00001; ExAC 0.00002; gnomAD exomes 0.00004 and 0.00002.
gnomAD v4.1: 50 of 1,614,094 alleles (0.0031%); highest among the groups gnomAD compares: Non-Finnish European, 0.0042%; no homozygotes.

Submissions (3):

Labcorp Genetics (formerly Invitae), Labcorp
Classification: Benign. Last evaluated: 2024-10-16. Review status: criteria provided, single submitter. Criteria: Invitae Variant Classification Sherloc (09022015). Collection method: clinical testing. Allele origin: germline.

CeGaT Center for Human Genetics Tuebingen
Classification: Uncertain significance. Last evaluated: 2023-10-01. Review status: criteria provided, single submitter. Criteria: CeGaT Center For Human Genetics Tuebingen Variant Classification Criteria Version 2. Collection method: clinical testing. Allele origin: germline. Affected: yes. Observed: 1 variant allele.
Comment: SETBP1: PP3

Genomic Research Center, Shahid Beheshti University of Medical Sciences
Classification: Uncertain significance for Mental retardation, autosomal dominant 29. Last evaluated: 2019-04-27. Review status: criteria provided, single submitter. Criteria: ACMG Guidelines, 2015. Collection method: clinical testing. Allele origin: unknown. Affected: yes.

NM_015559.3(SETBP1):c.3055C>T (p.Arg1019Cys)

Gene: SETBP1 (SET binding protein 1; plus strand). Cytogenetic location: 18q12.3.
Variant type: single nucleotide variant.
Coding change: c.3055C>T on transcript NM_015559.3 (MANE Select); coding-DNA position 3055, C replaced by T.
Protein change: p.Arg1019Cys; replaces arginine 1019 with cysteine.
Molecular consequence: missense variant.
Genome position (GRCh38, 1-based): chr18:44,952,395, C>T. VCF-style: chr18-44952395-C-T. GRCh37 (hg19) VCF-style: chr18-42532360-C-T.
Other names: c.3055C>T, p.Arg1019Cys (LRG_1150t1); short protein forms R1019C.
Identifiers: ClinVar variation 638458 (VCV000638458.33), dbSNP rs767260608, ClinGen allele CA8945847.
Genomic context (GRCh38, chr18:44,952,395, plus strand): 5'-ATCCAGTATGACCCGTTGCTCTATCTTCGTAGGACTTCAGACTTGAAGTCAAAGAAGAAG[C>T]GTGGTAGGCCTGCAAAAACCAATGACACCATGACAAAGGTGCCTTTTTTACAAGGGTTCA-3'
Protein context (NP_056374.2, residues 1009-1029): RTSDLKSKKK[Arg1019Cys]GRPAKTNDTM